The following is an entry in ClinVar:

NM_000486.6(AQP2):c.9G>A (p.Glu3=)

Gene: AQP2 (aquaporin 2; plus strand). Cytogenetic location: 12q13.12.
Variant type: single nucleotide variant.
Coding change: c.9G>A on transcript NM_000486.6 (MANE Select); coding-DNA position 9, G replaced by A.
Protein change: p.Glu3=; no amino-acid change (glutamic acid 3 retained).
Molecular consequence: synonymous variant.
Genome position (GRCh38, 1-based): chr12:49,950,839, G>A. VCF-style: chr12-49950839-G-A. GRCh37 (hg19) VCF-style: chr12-50344622-G-A.
Identifiers: ClinVar variation 1148350 (VCV001148350.10), dbSNP rs748337255, ClinGen allele CA6559123.

ClinVar aggregate classification (germline): Likely benign. Review status: criteria provided, multiple submitters, no conflicts (2 of 4 stars). 2 submissions from 2 submitters: Likely benign (2). Last evaluated 2024-12-10.

Allele frequency attached by ClinVar (database versions not stated): gnomAD exomes 0.00001 and 0.00002; ExAC 0.00002.
gnomAD v4.1: 16 of 1,611,964 alleles (0.00099%); highest among the groups gnomAD compares: Admixed American, 0.0083%; no homozygotes.

Submissions (2):

Women's Health and Genetics/Laboratory Corporation of America, LabCorp
Classification: Likely benign. Last evaluated: 2024-12-10. Review status: criteria provided, single submitter. Criteria: LabCorp Variant Classification Summary - May 2015. Collection method: clinical testing. Allele origin: germline.
Comment: Variant summary: AQP2 c.9G>A alters a conserved nucleotide resulting in a synonymous change. Consensus agreement among computation tools predict no significant impact on normal splicing. However, these predictions have yet to be confirmed by functional studies. The variant allele was found at a frequency of 2e-05 in 250952 control chromosomes. The available data on variant occurrences in the general population are insufficient to allow any conclusion about variant significance. To our knowledge, no occurrence of c.9G>A in individuals affected with Nephrogenic Diabetes Insipidus and no experimental evidence demonstrating its impact on protein function have been reported. ClinVar contains an entry for this variant (Variation ID: 1148350). Based on the evidence outlined above, the variant was classified as likely benign.

Labcorp Genetics (formerly Invitae), Labcorp
Classification: Likely benign. Last evaluated: 2023-01-25. Review status: criteria provided, single submitter. Criteria: Invitae Variant Classification Sherloc (09022015). Collection method: clinical testing. Allele origin: germline.